The following is an entry in ClinVar:

ClinVar aggregate classification (germline): Uncertain significance (1 of 4 stars; one submission).

Allele frequency attached by ClinVar (database versions not stated): gnomAD 0.00001; ExAC 0.00001; gnomAD exomes 0.00001; TOPMed 0.00001.

Submission:

Labcorp Genetics (formerly Invitae), Labcorp
Classification: Uncertain significance. Last evaluated: 2025-09-06. Review status: criteria provided, single submitter. Criteria: Invitae Variant Classification Sherloc (09022015). Collection method: clinical testing. Allele origin: germline.
Comment: This sequence change replaces alanine, which is neutral and non-polar, with valine, which is neutral and non-polar, at codon 359 of the DVL3 protein (p.Ala359Val). This variant is present in population databases (rs747994136, gnomAD 0.003%). This variant has not been reported in the literature in individuals affected with DVL3-related conditions. ClinVar contains an entry for this variant (Variation ID: 2872995). Invitae Evidence Modeling of protein sequence and biophysical properties (such as structural, functional, and spatial information, amino acid conservation, physicochemical variation, residue mobility, and thermodynamic stability) has been performed for this missense variant. However, the output from this modeling did not meet the statistical confidence thresholds required to predict the impact of this variant on DVL3 protein function. In summary, the available evidence is currently insufficient to determine the role of this variant in disease. Therefore, it has been classified as a Variant of Uncertain Significance.

NM_004423.4(DVL3):c.1076C>T (p.Ala359Val)

Gene: DVL3 (dishevelled segment polarity protein 3; plus strand). Cytogenetic location: 3q27.1.
Variant type: single nucleotide variant.
Coding change: c.1076C>T on transcript NM_004423.4 (MANE Select); coding-DNA position 1076, C replaced by T.
Protein change: p.Ala359Val; replaces alanine 359 with valine.
Molecular consequence: missense variant.
Genome position (GRCh38, 1-based): chr3:184,166,853, C>T. VCF-style: chr3-184166853-C-T. GRCh37 (hg19) VCF-style: chr3-183884641-C-T.
Other names: short protein forms A359V.
Identifiers: ClinVar variation 2872995 (VCV002872995.3), dbSNP rs747994136, ClinGen allele CA2727331.